The following is an entry in ClinVar:

ClinVar aggregate classification (germline): Uncertain significance. Review status: criteria provided, multiple submitters, no conflicts (2 of 4 stars). 3 submissions from 3 submitters: Uncertain significance (3). Last evaluated 2023-05-30.

Conditions:
Rienhoff syndrome. Also called: LOEYS-DIETZ SYNDROME 5. Identifiers: MedGen C3810012, MONDO:0014262, OMIM 615582.
Familial thoracic aortic aneurysm and aortic dissection (TAAD). Also called: Thoracic aortic aneurysms and dissections. Identifiers: Orphanet 91387, MedGen C4707243, MONDO:0019625.

Allele frequency attached by ClinVar (database versions not stated): TOPMed below 0.00001.
gnomAD v4.1: 4 of 1,614,174 alleles (0.00025%); highest among the groups gnomAD compares: Non-Finnish European, 0.00034%; no homozygotes.

Submissions (3):

Blueprint Genetics
Classification: Uncertain significance. Last evaluated: 2023-05-30. Review status: criteria provided, single submitter. Criteria: ACMG Guidelines, 2015. Collection method: clinical testing. Allele origin: germline.

Ambry Genetics
Classification: Uncertain significance for Familial thoracic aortic aneurysm and aortic dissection. Last evaluated: 2023-03-19. Review status: criteria provided, single submitter. Criteria: Ambry Variant Classification Scheme 2023. Collection method: clinical testing. Allele origin: germline.
Comment: The p.N74S variant (also known as c.221A>G), located in coding exon 1 of the TGFB3 gene, results from an A to G substitution at nucleotide position 221. The asparagine at codon 74 is replaced by serine, an amino acid with highly similar properties. This amino acid position is conserved. In addition, this alteration is predicted to be tolerated by in silico analysis. Since supporting evidence is limited at this time, the clinical significance of this alteration remains unclear.

Labcorp Genetics (formerly Invitae), Labcorp
Classification: Uncertain significance for Rienhoff syndrome. Last evaluated: 2022-06-03. Review status: criteria provided, single submitter. Criteria: Invitae Variant Classification Sherloc (09022015). Collection method: clinical testing. Allele origin: germline.
Comment: This sequence change replaces asparagine, which is neutral and polar, with serine, which is neutral and polar, at codon 74 of the TGFB3 protein (p.Asn74Ser). This variant is present in population databases (no rsID available, gnomAD 0.0009%). This variant has not been reported in the literature in individuals affected with TGFB3-related conditions. ClinVar contains an entry for this variant (Variation ID: 477634). Algorithms developed to predict the effect of missense changes on protein structure and function are either unavailable or do not agree on the potential impact of this missense change (SIFT: "Deleterious"; PolyPhen-2: "Probably Damaging"; Align-GVGD: "Class C0"). Algorithms developed to predict the effect of sequence changes on RNA splicing suggest that this variant may create or strengthen a splice site. In summary, the available evidence is currently insufficient to determine the role of this variant in disease. Therefore, it has been classified as a Variant of Uncertain Significance.

NM_003239.5(TGFB3):c.221A>G (p.Asn74Ser)

Gene: TGFB3 (transforming growth factor beta 3; minus strand). Cytogenetic location: 14q24.3.
Variant type: single nucleotide variant.
Coding change: c.221A>G on transcript NM_003239.5 (MANE Select); coding-DNA position 221, A replaced by G.
Protein change: p.Asn74Ser; replaces asparagine 74 with serine.
Molecular consequence: missense variant.
Genome position (GRCh38, 1-based): chr14:75,980,673, T>C on the plus strand (A>G on the coding strand, the complement: TGFB3 is on the minus strand). VCF-style: chr14-75980673-T-C. GRCh37 (hg19) VCF-style: chr14-76447016-T-C.
Other names: c.221A>G, p.Asn74Ser (NM_001329938.2, NM_001329939.2); c.221A>G (NM_003239.2); short protein forms N74S.
Identifiers: ClinVar variation 477634 (VCV000477634.9), dbSNP rs1279947435, ClinGen allele CA390471361.